The following is an entry in ClinVar:

ClinVar aggregate classification (germline): Uncertain significance. Review status: criteria provided, multiple submitters, no conflicts (2 of 4 stars). 3 submissions from 3 submitters: Uncertain significance (3). Last evaluated 2025-10-21.

Conditions:
Nemaline myopathy 10 (NEM10). Identifiers: MedGen C4015360, MONDO:0014513, OMIM 616165.
Inborn genetic diseases. Identifiers: MedGen C0950123, MeSH D030342.

Allele frequency attached by ClinVar (database versions not stated): ExAC 0.00007; 1000 Genomes Project 30x 0.00031; ESP Exome Variant Server 0.00008; gnomAD exomes 0.00012; 1000 Genomes Project 0.00040; TOPMed 0.00015.
gnomAD v4.1: 73 of 1,613,604 alleles (0.0045%); highest among the groups gnomAD compares: Admixed American, 0.055%; no homozygotes.

Submissions (3):

Ambry Genetics
Classification: Uncertain significance for Inborn genetic diseases. Last evaluated: 2025-10-21. Review status: criteria provided, single submitter. Criteria: Ambry Variant Classification Scheme 2023. Collection method: clinical testing. Allele origin: germline.

GeneDx
Classification: Uncertain significance. Last evaluated: 2024-10-17. Review status: criteria provided, single submitter. Criteria: GeneDx Variant Classification Process June 2021. Collection method: clinical testing. Allele origin: germline. Affected: yes.
Comment: Not observed at significant frequency in large population cohorts (gnomAD); In silico analysis indicates that this missense variant does not alter protein structure/function; Has not been previously published as pathogenic or benign to our knowledge

Labcorp Genetics (formerly Invitae), Labcorp
Classification: Uncertain significance for Nemaline myopathy 10. Last evaluated: 2022-10-19. Review status: criteria provided, single submitter. Criteria: Invitae Variant Classification Sherloc (09022015). Collection method: clinical testing. Allele origin: germline.
Comment: This sequence change replaces valine, which is neutral and non-polar, with methionine, which is neutral and non-polar, at codon 50 of the LMOD3 protein (p.Val50Met). This variant is present in population databases (rs144761436, gnomAD 0.06%). This variant has not been reported in the literature in individuals affected with LMOD3-related conditions. ClinVar contains an entry for this variant (Variation ID: 862573). Algorithms developed to predict the effect of missense changes on protein structure and function are either unavailable or do not agree on the potential impact of this missense change (SIFT: "Deleterious"; PolyPhen-2: "Possibly Damaging"; Align-GVGD: "Class C0"). In summary, the available evidence is currently insufficient to determine the role of this variant in disease. Therefore, it has been classified as a Variant of Uncertain Significance.

NM_198271.5(LMOD3):c.148G>A (p.Val50Met)

Genes: LMOD3 (leiomodin 3; minus strand), LOC126806710 (CDK7 strongly-dependent group 2 enhancer GRCh37_chr3:69170601-69171800; plus strand). Cytogenetic location: 3p14.1.
Variant type: single nucleotide variant.
Coding change: c.148G>A on transcript NM_198271.5 (MANE Select); coding-DNA position 148, G replaced by A.
Protein change: p.Val50Met; replaces valine 50 with methionine.
Molecular consequence: missense variant.
Genome position (GRCh38, 1-based): chr3:69,122,239, C>T on the plus strand (G>A on the coding strand, the complement: LMOD3 is on the minus strand). VCF-style: chr3-69122239-C-T. GRCh37 (hg19) VCF-style: chr3-69171390-C-T.
Other names: c.148G>A (NM_198271.3); c.148G>A, p.Val50Met (NM_001304418.3); short protein forms V50M.
Identifiers: ClinVar variation 862573 (VCV000862573.8), dbSNP rs144761436, ClinGen allele CA2489063.